The following is an entry in ClinVar:

ClinVar aggregate classification (germline): Uncertain significance. Review status: criteria provided, multiple submitters, no conflicts (2 of 4 stars). 2 submissions from 2 submitters: Uncertain significance (2). Last evaluated 2022-08-21.

Conditions:
Inborn genetic diseases. Identifiers: MedGen C0950123, MeSH D030342.

Allele frequency attached by ClinVar (database versions not stated): gnomAD exomes below 0.00001; ExAC 0.00001.
gnomAD v4.1: 1 of 1,604,936 alleles (0.000062%); highest among the groups gnomAD compares: Admixed American, 0.0017%; no homozygotes.

Submissions (2):

Labcorp Genetics (formerly Invitae), Labcorp
Classification: Uncertain significance. Last evaluated: 2022-08-21. Review status: criteria provided, single submitter. Criteria: Invitae Variant Classification Sherloc (09022015). Collection method: clinical testing. Allele origin: germline.
Comment: This variant has not been reported in the literature in individuals affected with IFT81-related conditions. The frequency data for this variant in the population databases is considered unreliable, as metrics indicate poor data quality at this position in the gnomAD database. This sequence change replaces tyrosine, which is neutral and polar, with cysteine, which is neutral and slightly polar, at codon 460 of the IFT81 protein (p.Tyr460Cys). Algorithms developed to predict the effect of missense changes on protein structure and function are either unavailable or do not agree on the potential impact of this missense change (SIFT: "Tolerated"; PolyPhen-2: "Possibly Damaging"; Align-GVGD: "Class C0"). In summary, the available evidence is currently insufficient to determine the role of this variant in disease. Therefore, it has been classified as a Variant of Uncertain Significance.

Ambry Genetics
Classification: Uncertain significance for Inborn genetic diseases. Last evaluated: 2022-06-29. Review status: criteria provided, single submitter. Criteria: Ambry Variant Classification Scheme 2023. Collection method: clinical testing. Allele origin: germline.

NM_014055.4(IFT81):c.1379A>G (p.Tyr460Cys)

Gene: IFT81 (intraflagellar transport 81; plus strand). Cytogenetic location: 12q24.11.
Variant type: single nucleotide variant.
Coding change: c.1379A>G on transcript NM_014055.4 (MANE Select); coding-DNA position 1379, A replaced by G.
Protein change: p.Tyr460Cys; replaces tyrosine 460 with cysteine.
Molecular consequence: missense variant. On other transcripts: non-coding transcript variant (4).
Genome position (GRCh38, 1-based): chr12:110,190,960, A>G. VCF-style: chr12-110190960-A-G. GRCh37 (hg19) VCF-style: chr12-110628765-A-G.
Other names: c.1379A>G, p.Tyr460Cys (NM_001143779.2); c.449A>G, p.Tyr150Cys (NM_001347947.2, NM_001347948.2); short protein forms Y150C, Y460C.
Identifiers: ClinVar variation 1961958 (VCV001961958.5), dbSNP rs773369882, ClinGen allele CA6783357.